The following is an entry in ClinVar:

NM_005458.8(GABBR2):c.2719A>G (p.Ile907Val)

Gene: GABBR2 (gamma-aminobutyric acid type B receptor subunit 2; minus strand). Cytogenetic location: 9q22.33.
Variant type: single nucleotide variant.
Coding change: c.2719A>G on transcript NM_005458.8 (MANE Select); coding-DNA position 2719, A replaced by G.
Protein change: p.Ile907Val; replaces isoleucine 907 with valine.
Molecular consequence: missense variant.
Genome position (GRCh38, 1-based): chr9:98,290,691, T>C on the plus strand (A>G on the coding strand, the complement: GABBR2 is on the minus strand). VCF-style: chr9-98290691-T-C. GRCh37 (hg19) VCF-style: chr9-101052973-T-C.
Other names: short protein forms I907V.
Identifiers: ClinVar variation 2005822 (VCV002005822.4), dbSNP rs1307135354, ClinGen allele CA374209665.

ClinVar aggregate classification (germline): Uncertain significance (1 of 4 stars; one submission).

Conditions:
Epileptic encephalopathy. Identifiers: MedGen C0543888, HP:0200134.

Allele frequency attached by ClinVar (database versions not stated): gnomAD exomes below 0.00001.
gnomAD v4.1: 2 of 1,481,144 alleles (0.00014%); highest among the groups gnomAD compares: Non-Finnish European, 0.00018%; no homozygotes.

Submission:

Labcorp Genetics (formerly Invitae), Labcorp
Classification: Uncertain significance for Epileptic encephalopathy. Last evaluated: 2022-06-19. Review status: criteria provided, single submitter. Criteria: Invitae Variant Classification Sherloc (09022015). Collection method: clinical testing. Allele origin: germline.
Comment: In summary, the available evidence is currently insufficient to determine the role of this variant in disease. Therefore, it has been classified as a Variant of Uncertain Significance. Algorithms developed to predict the effect of missense changes on protein structure and function are either unavailable or do not agree on the potential impact of this missense change (SIFT: "Deleterious"; PolyPhen-2: "Benign"; Align-GVGD: "Class C0"). This variant has not been reported in the literature in individuals affected with GABBR2-related conditions. This variant is not present in population databases (gnomAD no frequency). This sequence change replaces isoleucine, which is neutral and non-polar, with valine, which is neutral and non-polar, at codon 907 of the GABBR2 protein (p.Ile907Val).